The following is an entry in ClinVar:

ClinVar aggregate classification (germline): Conflicting classifications of pathogenicity. Review status: criteria provided, conflicting classifications (1 of 4 stars). 4 submissions from 4 submitters: Uncertain significance (3); Likely benign (1). Last evaluated 2025-10-17.

Conditions:
Alzheimer disease type 1 (AD1). Also called: ALZHEIMER DISEASE, FAMILIAL, 1; ALZHEIMER DISEASE, FAMILIAL, 1, AUTOSOMAL RECESSIVE. Identifiers: MedGen C1863052, MONDO:0007088, OMIM 104300.
Alzheimer disease. Also called: Presenile and senile dementia; Alzheimer's disease. Identifiers: Orphanet 1020, MedGen C0002395, MeSH D000544, MONDO:0004975, HP:0002511.

Allele frequency attached by ClinVar (database versions not stated): ExAC 0.00001; gnomAD 0.00001; gnomAD exomes 0.00004.
gnomAD v4.1: 10 of 1,613,896 alleles (0.00062%); highest among the groups gnomAD compares: Admixed American, 0.015%; no homozygotes.

Submissions (4):

Labcorp Genetics (formerly Invitae), Labcorp
Classification: Likely benign for Alzheimer disease. Last evaluated: 2025-10-17. Review status: criteria provided, single submitter. Criteria: Invitae Variant Classification Sherloc (09022015). Collection method: clinical testing. Allele origin: germline.

Women's Health and Genetics/Laboratory Corporation of America, LabCorp
Classification: Uncertain significance. Last evaluated: 2025-05-12. Review status: criteria provided, single submitter. Criteria: LabCorp Variant Classification Summary - May 2015. Collection method: clinical testing. Allele origin: germline.
Comment: Variant summary: APP c.2020G>C (p.Glu674Gln) results in a conservative amino acid change in the encoded protein sequence. Algorithms developed to predict the effect of missense changes on protein structure and function are either unavailable or do not agree on the potential impact of this missense change. The variant allele was found at a frequency of 3.6e-05 in 251392 control chromosomes. The available data on variant occurrences in the general population are insufficient to allow any conclusion about variant significance. c.2020G>C has been observed in the heterozygous state in at least 2 related individual(s) affected with Alzheimer disease, late-onset (example, Zhang_2024) without strong evidence for causality. These report(s) do not provide unequivocal conclusions about association of the variant with APP-Related conditions. One publication reports experimental evidence evaluating an impact on protein function in vitro and in an in vivo mouse model, however, does not allow convincing conclusions about the variant effect (Zhang_2024). The following publication has been ascertained in the context of this evaluation (PMID: 37692508). ClinVar contains an entry for this variant (Variation ID: 1359826). Based on the evidence outlined above, the variant was classified as uncertain significance.

ARUP Laboratories, Molecular Genetics and Genomics, ARUP Laboratories
Classification: Uncertain significance. Last evaluated: 2025-04-04. Review status: criteria provided, single submitter. Criteria: ARUP Molecular Germline Variant Investigation Process 2024. Collection method: clinical testing. Allele origin: germline.
Comment: The APP c.2020G>C; p.Glu674Gln variant (rs752361848, ClinVar Variation ID: 1359826) is reported in the literature in an individual affected with familial late-onset Alzheimerâ€™s disease (Zhang 2023). This variant is found in the Admixed American population with an allele frequency of 0.023% (8/34,592 alleles) in the Genome Aggregation Database (v2.1.1). Additionally, another amino acid substitution at this codon, p.Glu674Lys, has been reported in an individual with dementia with Dewey bodies, but it was uncertain if the variant was disease-causing (Orme 2020). Functional analyses of the p.Glu674Gln variant demonstrate increased levels of multiple amyloid-beta precursors in both human cell lines and mice hippocampi, suggesting a potential role in promoting Alzheimerâ€™s disease (Zhang 2023). Computational analyses are uncertain whether this variant is neutral or deleterious (REVEL: 0.635). Due to limited information, the clinical significance of the p.Glu674Gln variant is uncertain at this time. References: Zhang Y et al. E674Q (Shanghai APP mutant), a novel amyloid precursor protein mutation, in familial late-onset Alzheimer's disease. Genes Dis. 2023 Apr 10;11(2):1022-1034. PMID: 37692508. Orme T et al. Analysis of neurodegenerative disease-causing genes in dementia with Lewy bodies. Acta Neuropathol Commun. 2020 Jan 29;8(1):5. PMID: 31996268.

3billion
Classification: Uncertain significance for Alzheimer disease type 1. Last evaluated: 2024-07-20. Review status: criteria provided, single submitter. Criteria: ACMG Guidelines, 2015. Collection method: clinical testing. Allele origin: germline. Affected: yes.
Comment: The variant is observed at an extremely low frequency in the gnomAD v4.0.0 dataset (total allele frequency: <0.001%). Predicted Consequence/Location: Missense changes are a common disease-causing mechanism. In silico tool predictions suggest damaging effect of the variant on gene or gene product [REVEL: 0.64 (>=0.6, sensitivity 0.68 and specificity 0.92); 3Cnet: 0.53 (>=0.6, sensitivity 0.72 and precision 0.9)]. The variant has been reported once as benign but without evidence for the classification (ClinVar ID: VCV001359826). Therefore, this variant is classified as VUS according to the recommendation of ACMG/AMP guideline.

Literature cited by the submitters: PubMed 37692508 (cited by Women's Health and Genetics/Laboratory Corporation of America, LabCorp).

NM_000484.4(APP):c.2020G>C (p.Glu674Gln)

Gene: APP (amyloid beta precursor protein; minus strand). Cytogenetic location: 21q21.3.
Variant type: single nucleotide variant.
Coding change: c.2020G>C on transcript NM_000484.4 (MANE Select); coding-DNA position 2020, G replaced by C.
Protein change: p.Glu674Gln; replaces glutamic acid 674 with glutamine.
Molecular consequence: missense variant.
Genome position (GRCh38, 1-based): chr21:25,897,617, C>G on the plus strand (G>C on the coding strand, the complement: APP is on the minus strand). VCF-style: chr21-25897617-C-G. GRCh37 (hg19) VCF-style: chr21-27269929-C-G.
Other names: c.1948G>C, p.Glu650Gln (NM_001136016.3); c.1627G>C, p.Glu543Gln (NM_001136129.3); c.1852G>C, p.Glu618Gln (NM_001136130.3, NM_001385253.1); c.1690G>C, p.Glu564Gln (NM_001136131.3); c.1966G>C, p.Glu656Gln (NM_001204301.2); c.1909G>C, p.Glu637Gln (NM_001204302.2); c.1741G>C, p.Glu581Gln (NM_001204303.2); c.1963G>C, p.Glu655Gln (NM_201413.3); and 1 more; short protein forms E599Q, E674Q, E637Q, E655Q, E543Q, E581Q, E564Q, E618Q.
Identifiers: ClinVar variation 1359826 (VCV001359826.11), dbSNP rs752361848, ClinGen allele CA9987094.